The following is an entry in ClinVar:

NM_001017372.3(SLC27A6):c.423C>G (p.Ser141=)

Gene: SLC27A6 (solute carrier family 27 member 6; plus strand). Cytogenetic location: 5q23.3.
Variant type: single nucleotide variant.
Coding change: c.423C>G on transcript NM_001017372.3 (MANE Select); coding-DNA position 423, C replaced by G.
Protein change: p.Ser141=; no amino-acid change (serine 141 retained).
Molecular consequence: synonymous variant.
Genome position (GRCh38, 1-based): chr5:128,966,560, C>G. VCF-style: chr5-128966560-C-G. GRCh37 (hg19) VCF-style: chr5-128302253-C-G.
Other names: c.423C>G, p.Ser141= (NM_001317984.2, NM_014031.5).
Identifiers: ClinVar variation 4874698 (VCV004874698.2).

ClinVar aggregate classification (germline): Likely benign (1 of 4 stars; one submission).

Submission:

CeGaT Center for Human Genetics Tuebingen
Classification: Likely benign. Last evaluated: 2026-04-01. Review status: criteria provided, single submitter. Criteria: CeGaT Center For Human Genetics Tuebingen Variant Classification Criteria Version 2. Collection method: clinical testing. Allele origin: germline. Affected: yes. Observed: 1 variant allele.
Comment: SLC27A6: PM2:Supporting, BP4, BP7